The following is an entry in ClinVar:

ClinVar aggregate classification (germline): Uncertain significance (1 of 4 stars; one submission).

Submission:

Labcorp Genetics (formerly Invitae), Labcorp
Classification: Uncertain significance. Last evaluated: 2023-04-24. Review status: criteria provided, single submitter. Criteria: Invitae Variant Classification Sherloc (09022015). Collection method: clinical testing. Allele origin: germline.
Comment: In summary, the available evidence is currently insufficient to determine the role of this variant in disease. Therefore, it has been classified as a Variant of Uncertain Significance. Advanced modeling of protein sequence and biophysical properties (such as structural, functional, and spatial information, amino acid conservation, physicochemical variation, residue mobility, and thermodynamic stability) performed at Invitae indicates that this missense variant is not expected to disrupt WFS1 protein function. This variant has not been reported in the literature in individuals affected with WFS1-related conditions. This variant is not present in population databases (gnomAD no frequency). This sequence change replaces lysine, which is basic and polar, with asparagine, which is neutral and polar, at codon 191 of the WFS1 protein (p.Lys191Asn).

NM_006005.3(WFS1):c.573G>T (p.Lys191Asn)

Gene: WFS1 (wolframin ER transmembrane glycoprotein; plus strand). Cytogenetic location: 4p16.1.
Variant type: single nucleotide variant.
Coding change: c.573G>T on transcript NM_006005.3 (MANE Select); coding-DNA position 573, G replaced by T.
Protein change: p.Lys191Asn; replaces lysine 191 with asparagine.
Molecular consequence: missense variant.
Genome position (GRCh38, 1-based): chr4:6,291,309, G>T. VCF-style: chr4-6291309-G-T. GRCh37 (hg19) VCF-style: chr4-6293036-G-T.
Other names: c.573G>T, p.Lys191Asn (NM_001145853.1); short protein forms K191N.
Identifiers: ClinVar variation 2872798 (VCV002872798.3), dbSNP rs757827695, ClinGen allele CA356172063.